The following is an entry in ClinVar:

NM_144997.7(FLCN):c.134C>A (p.Ala45Glu)

Gene: FLCN (folliculin; minus strand). Cytogenetic location: 17p11.2.
Variant type: single nucleotide variant.
Coding change: c.134C>A on transcript NM_144997.7 (MANE Select); coding-DNA position 134, C replaced by A.
Protein change: p.Ala45Glu; replaces alanine 45 with glutamic acid.
Molecular consequence: missense variant.
Genome position (GRCh38, 1-based): chr17:17,228,004, G>T on the plus strand (C>A on the coding strand, the complement: FLCN is on the minus strand). VCF-style: chr17-17228004-G-T. GRCh37 (hg19) VCF-style: chr17-17131318-G-T.
Other names: c.134C>A (LRG_325t1); c.134C>A, p.Ala45Glu (NM_001353229.2, NM_001353230.2, NM_001353231.2 and 1 more transcripts); short protein forms A45E.
Identifiers: ClinVar variation 639059 (VCV000639059.11), dbSNP rs556510460, ClinGen allele CA398535258.
Genomic context (GRCh38, chr17:17,228,004, plus strand): 5'-TCTGCGGGGCTGTGCGCACGCATCCGACTGTTCATCTGAATGCCACCTTCCTCTTCTTCC[G>T]CCTGCTCACCCTGGCCAGGACTGTCCTCATTCCCATCCCCTTGAGGAAGTGGGGCGTGCA-3'
Protein context (NP_659434.2, residues 35-55): NEDSPGQGEQ[Ala45Glu]EEEEGGIQMN

ClinVar aggregate classification (germline): Uncertain significance. Review status: criteria provided, multiple submitters, no conflicts (2 of 4 stars). 2 submissions from 2 submitters: Uncertain significance (2). Last evaluated 2024-08-05.

Conditions:
Birt-Hogg-Dube syndrome. Also called: Birt Hogg Dubé syndrome. Identifiers: Orphanet 122, MedGen C0346010, MONDO:0800444.
Hereditary cancer-predisposing syndrome. Also called: Hereditary Cancer Syndrome; Neoplastic Syndromes, Hereditary; Tumor predisposition; Hereditary neoplastic syndrome. Identifiers: Orphanet 140162, MedGen C0027672, MeSH D009386, MONDO:0015356.

Submissions (2):

Ambry Genetics
Classification: Uncertain significance for Hereditary cancer-predisposing syndrome. Last evaluated: 2024-08-05. Review status: criteria provided, single submitter. Criteria: Ambry Variant Classification Scheme 2023. Collection method: clinical testing. Allele origin: germline.
Comment: The p.A45E variant (also known as c.134C>A), located in coding exon 1 of the FLCN gene, results from a C to A substitution at nucleotide position 134. The alanine at codon 45 is replaced by glutamic acid, an amino acid with dissimilar properties. This amino acid position is not well conserved in available vertebrate species. In addition, the in silico prediction for this alteration is inconclusive. Based on the available evidence, the clinical significance of this variant remains unclear.

Labcorp Genetics (formerly Invitae), Labcorp
Classification: Uncertain significance for Birt-Hogg-Dube syndrome. Last evaluated: 2018-09-26. Review status: criteria provided, single submitter. Criteria: Invitae Variant Classification Sherloc (09022015). Collection method: clinical testing. Allele origin: germline.
Comment: In summary, the available evidence is currently insufficient to determine the role of this variant in disease. Therefore, it has been classified as a Variant of Uncertain Significance. Algorithms developed to predict the effect of missense changes on protein structure and function (SIFT, PolyPhen-2, Align-GVGD) all suggest that this variant is likely to be tolerated, but these predictions have not been confirmed by published functional studies and their clinical significance is uncertain. This variant has not been reported in the literature in individuals with FLCN-related disease. This variant is not present in population databases (ExAC no frequency). This sequence change replaces alanine with glutamic acid at codon 45 of the FLCN protein (p.Ala45Glu). The alanine residue is moderately conserved and there is a moderate physicochemical difference between alanine and glutamic acid.